The following is an entry in ClinVar:

NM_032578.4(MYPN):c.1973+13T>C

Gene: MYPN (myopalladin; plus strand). Cytogenetic location: 10q21.3.
Variant type: single nucleotide variant.
Coding change: c.1973+13T>C on transcript NM_032578.4 (MANE Select); 13 bases into the intron after coding-DNA position 1973, T replaced by C.
Molecular consequence: intron variant.
Genome position (GRCh38, 1-based): chr10:68,166,679, T>C. VCF-style: chr10-68166679-T-C. GRCh37 (hg19) VCF-style: chr10-69926436-T-C.
Other names: c.1973+13T>C (NM_001256267.2); c.1091+13T>C (NM_001256268.2).
Identifiers: ClinVar variation 511727 (VCV000511727.1), dbSNP rs753685932, ClinGen allele CA5522696.

ClinVar aggregate classification (germline): Likely benign (1 of 4 stars; one submission).

Allele frequency attached by ClinVar (database versions not stated): gnomAD below 0.00001 and 0.00001; gnomAD exomes below 0.00001; ExAC 0.00001.
gnomAD v4.1: 8 of 1,613,460 alleles (0.0005%); highest among the groups gnomAD compares: South Asian, 0.0022%; 1 homozygote.

Submission:

GeneDx
Classification: Likely benign. Last evaluated: 2017-08-24. Review status: criteria provided, single submitter. Criteria: GeneDx Variant Classification (06012015). Collection method: clinical testing. Allele origin: germline. Affected: yes.
Comment: This variant is considered likely benign or benign based on one or more of the following criteria: it is a conservative change, it occurs at a poorly conserved position in the protein, it is predicted to be benign by multiple in silico algorithms, and/or has population frequency not consistent with disease.